The following is an entry in ClinVar:

ClinVar aggregate classification (germline): Uncertain significance (1 of 4 stars; one submission).

Allele frequency attached by ClinVar (database versions not stated): gnomAD exomes below 0.00001; TOPMed below 0.00001; ExAC 0.00001; gnomAD 0.00001; 1000 Genomes Project 30x 0.00016; 1000 Genomes Project 0.00020.
gnomAD v4.1: 2 of 1,613,966 alleles (0.00012%); highest among the groups gnomAD compares: African/African-American, 0.0027%; no homozygotes.

Submission:

Labcorp Genetics (formerly Invitae), Labcorp
Classification: Uncertain significance. Last evaluated: 2022-06-03. Review status: criteria provided, single submitter. Criteria: Invitae Variant Classification Sherloc (09022015). Collection method: clinical testing. Allele origin: germline.
Comment: This sequence change replaces serine, which is neutral and polar, with phenylalanine, which is neutral and non-polar, at codon 44 of the EMC1 protein (p.Ser44Phe). This variant is present in population databases (rs549890473, gnomAD 0.007%). This variant has not been reported in the literature in individuals affected with EMC1-related conditions. ClinVar contains an entry for this variant (Variation ID: 971450). Algorithms developed to predict the effect of missense changes on protein structure and function are either unavailable or do not agree on the potential impact of this missense change (SIFT: "Deleterious"; PolyPhen-2: "Benign"; Align-GVGD: "Class C0"). In summary, the available evidence is currently insufficient to determine the role of this variant in disease. Therefore, it has been classified as a Variant of Uncertain Significance.

NM_015047.3(EMC1):c.131C>T (p.Ser44Phe)

Gene: EMC1 (ER membrane protein complex subunit 1; minus strand). Cytogenetic location: 1p36.13.
Variant type: single nucleotide variant.
Coding change: c.131C>T on transcript NM_015047.3 (MANE Select); coding-DNA position 131, C replaced by T.
Protein change: p.Ser44Phe; replaces serine 44 with phenylalanine.
Molecular consequence: missense variant.
Genome position (GRCh38, 1-based): chr1:19,244,995, G>A on the plus strand (C>T on the coding strand, the complement: EMC1 is on the minus strand). VCF-style: chr1-19244995-G-A. GRCh37 (hg19) VCF-style: chr1-19571489-G-A.
Other names: c.131C>T, p.Ser44Phe (NM_001271427.2, NM_001271428.2, NM_001271429.2 and 2 more transcripts); short protein forms S44F.
Identifiers: ClinVar variation 971450 (VCV000971450.10), dbSNP rs549890473, ClinGen allele CA653042.